The following is an entry in ClinVar:

ClinVar aggregate classification (germline): Uncertain significance (1 of 4 stars; one submission).

Submission:

Labcorp Genetics (formerly Invitae), Labcorp
Classification: Uncertain significance. Last evaluated: 2022-03-11. Review status: criteria provided, single submitter. Criteria: Invitae Variant Classification Sherloc (09022015). Collection method: clinical testing. Allele origin: germline.
Comment: In summary, the available evidence is currently insufficient to determine the role of this variant in disease. Therefore, it has been classified as a Variant of Uncertain Significance. Algorithms developed to predict the effect of missense changes on protein structure and function (SIFT, PolyPhen-2, Align-GVGD) all suggest that this variant is likely to be tolerated. This variant has not been reported in the literature in individuals affected with TONSL-related conditions. This variant is not present in population databases (gnomAD no frequency). This sequence change replaces proline, which is neutral and non-polar, with serine, which is neutral and polar, at codon 841 of the TONSL protein (p.Pro841Ser).

NM_013432.5(TONSL):c.2521C>T (p.Pro841Ser)

Genes: TONSL (tonsoku like, DNA repair protein; minus strand), TONSL-AS1 (TONSL antisense RNA 1; plus strand). Cytogenetic location: 8q24.3.
Variant type: single nucleotide variant.
Coding change: c.2521C>T on transcript NM_013432.5 (MANE Select); coding-DNA position 2521, C replaced by T.
Protein change: p.Pro841Ser; replaces proline 841 with serine.
Molecular consequence: missense variant.
Genome position (GRCh38, 1-based): chr8:144,435,912, G>A on the plus strand (C>T on the coding strand, the complement: TONSL is on the minus strand). VCF-style: chr8-144435912-G-A. GRCh37 (hg19) VCF-style: chr8-145661295-G-A.
Other names: short protein forms P841S.
Identifiers: ClinVar variation 2091850 (VCV002091850.4), dbSNP rs774123052, ClinGen allele CA372654637.